The following is an entry in ClinVar:

NM_002392.6(MDM2):c.980G>C (p.Arg327Thr)

Gene: MDM2 (MDM2 proto-oncogene; plus strand). Cytogenetic location: 12q15.
Variant type: single nucleotide variant.
Coding change: c.980G>C on transcript NM_002392.6 (MANE Select); coding-DNA position 980, G replaced by C.
Protein change: p.Arg327Thr; replaces arginine 327 with threonine.
Molecular consequence: missense variant.
Genome position (GRCh38, 1-based): chr12:68,839,335, G>C. VCF-style: chr12-68839335-G-C. GRCh37 (hg19) VCF-style: chr12-69233115-G-C.
Other names: c.821G>C, p.Arg274Thr (NM_001145337.3); c.815G>C, p.Arg272Thr (NM_001145339.2); c.374G>C, p.Arg125Thr (NM_001145340.3); c.452G>C, p.Arg151Thr (NM_001278462.2); c.962G>C, p.Arg321Thr (NM_001367990.1); short protein forms R272T, R151T, R321T, R327T, R125T, R274T.
Identifiers: ClinVar variation 2851134 (VCV002851134.3), dbSNP rs372778876, ClinGen allele CA385704501.

ClinVar aggregate classification (germline): Uncertain significance (1 of 4 stars; one submission).

Conditions:
Accelerated tumor formation, susceptibility to (ACTFS). Identifiers: MedGen C3280690, OMIM 614401, MONDO:0013733.

Submission:

Labcorp Genetics (formerly Invitae), Labcorp
Classification: Uncertain significance for Accelerated tumor formation, susceptibility to. Last evaluated: 2024-05-06. Review status: criteria provided, single submitter. Criteria: Invitae Variant Classification Sherloc (09022015). Collection method: clinical testing. Allele origin: germline.
Comment: This sequence change replaces arginine, which is basic and polar, with threonine, which is neutral and polar, at codon 327 of the MDM2 protein (p.Arg327Thr). This variant is not present in population databases (gnomAD no frequency). This variant has not been reported in the literature in individuals affected with MDM2-related conditions. An algorithm developed to predict the effect of missense changes on protein structure and function (PolyPhen-2) suggests that this variant is likely to be disruptive. In summary, the available evidence is currently insufficient to determine the role of this variant in disease. Therefore, it has been classified as a Variant of Uncertain Significance.